The following is an entry in ClinVar:

NM_001372.4(DNAH9):c.2107G>A (p.Val703Met)

Gene: DNAH9 (dynein axonemal heavy chain 9; plus strand). Cytogenetic location: 17p12.
Variant type: single nucleotide variant.
Coding change: c.2107G>A on transcript NM_001372.4 (MANE Select); coding-DNA position 2107, G replaced by A.
Protein change: p.Val703Met; replaces valine 703 with methionine.
Molecular consequence: missense variant.
Genome position (GRCh38, 1-based): chr17:11,651,078, G>A. VCF-style: chr17-11651078-G-A. GRCh37 (hg19) VCF-style: chr17-11554395-G-A.
Other names: c.2107G>A (NM_001372.3); short protein forms V703M.
Identifiers: ClinVar variation 1436965 (VCV001436965.5), dbSNP rs142163586, ClinGen allele CA8395102.

ClinVar aggregate classification (germline): Uncertain significance. Review status: criteria provided, multiple submitters, no conflicts (2 of 4 stars). 4 submissions from 4 submitters: Uncertain significance (4). Last evaluated 2025-09-06.

Allele frequency attached by ClinVar (database versions not stated): ESP Exome Variant Server 0.00015; gnomAD exomes 0.00022 and 0.00033; gnomAD 0.00029 and 0.00031; ExAC 0.00033; TOPMed 0.00035.
gnomAD v4.1: 377 of 1,613,282 alleles (0.023%); highest among the groups gnomAD compares: Admixed American, 0.095%; 1 homozygote.

Submissions (4):

GeneDx
Classification: Uncertain significance. Last evaluated: 2025-09-06. Review status: criteria provided, single submitter. Criteria: GeneDx Variant Classification Process June 2021. Collection method: clinical testing. Allele origin: germline.
Comment: In silico analysis supports that this missense variant has a deleterious effect on protein structure/function; Has not been previously published as pathogenic or benign to our knowledge

Blueprint Genetics
Classification: Uncertain significance. Last evaluated: 2024-10-14. Review status: criteria provided, single submitter. Criteria: ACMG Guidelines, 2015. Collection method: clinical testing. Allele origin: germline.

Labcorp Genetics (formerly Invitae), Labcorp
Classification: Uncertain significance. Last evaluated: 2022-08-09. Review status: criteria provided, single submitter. Criteria: Invitae Variant Classification Sherloc (09022015). Collection method: clinical testing. Allele origin: germline.
Comment: This sequence change replaces valine, which is neutral and non-polar, with methionine, which is neutral and non-polar, at codon 703 of the DNAH9 protein (p.Val703Met). This variant is present in population databases (rs142163586, gnomAD 0.1%). This variant has not been reported in the literature in individuals affected with DNAH9-related conditions. ClinVar contains an entry for this variant (Variation ID: 1436965). Algorithms developed to predict the effect of missense changes on protein structure and function are either unavailable or do not agree on the potential impact of this missense change (SIFT: "Deleterious"; PolyPhen-2: "Possibly Damaging"; Align-GVGD: "Class C0"). In summary, the available evidence is currently insufficient to determine the role of this variant in disease. Therefore, it has been classified as a Variant of Uncertain Significance.

Breakthrough Genomics
Classification: Uncertain significance. Review status: criteria provided, single submitter. Criteria: ACMG Guidelines, 2015. Collection method: not provided. Allele origin: germline. Inheritance: Autosomal recessive inheritance. Affected: yes.